The following is an entry in ClinVar:

ClinVar aggregate classification (germline): Uncertain significance. Review status: criteria provided, multiple submitters, no conflicts (2 of 4 stars). 2 submissions from 2 submitters: Uncertain significance (2). Last evaluated 2023-02-16.

gnomAD v4.1: 1 of 1,613,630 alleles (0.000062%); highest among the groups gnomAD compares: South Asian, 0.0011%; no homozygotes.

Submissions (2):

Labcorp Genetics (formerly Invitae), Labcorp
Classification: Uncertain significance. Last evaluated: 2023-02-16. Review status: criteria provided, single submitter. Criteria: Invitae Variant Classification Sherloc (09022015). Collection method: clinical testing. Allele origin: germline.
Comment: This variant has not been reported in the literature in individuals affected with LRP5-related conditions. Advanced modeling of protein sequence and biophysical properties (such as structural, functional, and spatial information, amino acid conservation, physicochemical variation, residue mobility, and thermodynamic stability) performed at Invitae indicates that this missense variant is not expected to disrupt LRP5 protein function. In summary, the available evidence is currently insufficient to determine the role of this variant in disease. Therefore, it has been classified as a Variant of Uncertain Significance. This sequence change replaces phenylalanine, which is neutral and non-polar, with leucine, which is neutral and non-polar, at codon 703 of the LRP5 protein (p.Phe703Leu). This variant is not present in population databases (gnomAD no frequency).

Blueprint Genetics
Classification: Uncertain significance. Last evaluated: 2021-10-28. Review status: criteria provided, single submitter. Criteria: ACMG Guidelines, 2015. Collection method: clinical testing. Allele origin: germline.

NM_002335.4(LRP5):c.2107T>C (p.Phe703Leu)

Gene: LRP5 (LDL receptor related protein 5; plus strand). Cytogenetic location: 11q13.2.
Variant type: single nucleotide variant.
Coding change: c.2107T>C on transcript NM_002335.4 (MANE Select); coding-DNA position 2107, T replaced by C.
Protein change: p.Phe703Leu; replaces phenylalanine 703 with leucine.
Molecular consequence: missense variant.
Genome position (GRCh38, 1-based): chr11:68,409,929, T>C. VCF-style: chr11-68409929-T-C. GRCh37 (hg19) VCF-style: chr11-68177397-T-C.
Other names: c.364T>C, p.Phe122Leu (NM_001291902.2); short protein forms F122L, F703L.
Identifiers: ClinVar variation 2996211 (VCV002996211.4), dbSNP rs772679034, ClinGen allele CA381616280.